The following is an entry in ClinVar:

NM_000540.3(RYR1):c.346-1G>A

Gene: RYR1 (ryanodine receptor 1; plus strand). Cytogenetic location: 19q13.2.
Variant type: single nucleotide variant.
Coding change: c.346-1G>A on transcript NM_000540.3 (MANE Select); the canonical splice acceptor site of the intron before coding-DNA position 346, G replaced by A.
Molecular consequence: splice acceptor variant.
Genome position (GRCh38, 1-based): chr19:38,443,717, G>A. VCF-style: chr19-38443717-G-A. GRCh37 (hg19) VCF-style: chr19-38934357-G-A.
Other names: c.346-1G>A (NM_001042723.2).
Identifiers: ClinVar variation 2802613 (VCV002802613.3), dbSNP rs1972803770, ClinGen allele CA405675683.
Genomic context (GRCh38, chr19:38,443,717, plus strand): 5'-GGCAGGGGCCAGGGCATGTGGGGCCTGCTAGAAGGAGGCTGACCTCCCTCTACAACCCTA[G>A]TATCTGAGCTGCCTCACCACCTCCCGCTCCATGACTGACAAGCTGGCCTTCGATGTGGGA-3'

ClinVar aggregate classification (germline): Likely pathogenic (1 of 4 stars; one submission).

Conditions:
RYR1-related disorder. Also called: RYR1-related condition; RYR1-related disorders. Identifiers: MedGen CN239331.

Allele frequency attached by ClinVar (database versions not stated): TOPMed below 0.00001.

Submission:

Labcorp Genetics (formerly Invitae), Labcorp
Classification: Likely pathogenic for RYR1-related disorder. Last evaluated: 2024-07-31. Review status: criteria provided, single submitter. Criteria: Invitae Variant Classification Sherloc (09022015). Collection method: clinical testing. Allele origin: germline.
Comment: This sequence change affects an acceptor splice site in intron 4 of the RYR1 gene. It is expected to disrupt RNA splicing. Variants that disrupt the donor or acceptor splice site typically lead to a loss of protein function (PMID: 16199547), and loss-of-function variants in RYR1 are known to be pathogenic (PMID: 23919265, 25960145, 28818389, 30611313). This variant is not present in population databases (gnomAD no frequency). This variant has not been reported in the literature in individuals affected with RYR1-related conditions. Algorithms developed to predict the effect of sequence changes on RNA splicing suggest that this variant may disrupt the consensus splice site. In summary, the currently available evidence indicates that the variant is pathogenic, but additional data are needed to prove that conclusively. Therefore, this variant has been classified as Likely Pathogenic.

Literature cited by the submitters: PubMed 16199547; PubMed 23919265; PubMed 25960145; PubMed 28818389; PubMed 30611313.